The following is an entry in ClinVar:

NM_032266.5(SPATA31H1):c.15987T>C (p.His5329=)

Gene: SPATA31H1 (SPATA31 subfamily H member 1; plus strand). Cytogenetic location: 2p23.3.
Variant type: single nucleotide variant.
Coding change: c.15987T>C on transcript NM_032266.5 (MANE Select); coding-DNA position 15987, T replaced by C.
Protein change: p.His5329=; no amino-acid change (histidine 5329 retained).
Molecular consequence: synonymous variant.
Genome position (GRCh38, 1-based): chr2:27,582,347, T>C. VCF-style: chr2-27582347-T-C. GRCh37 (hg19) VCF-style: chr2-27805214-T-C.
Identifiers: ClinVar variation 2650776 (VCV002650776.23), dbSNP rs753534227, ClinGen allele CA1583293.

ClinVar aggregate classification (germline): Likely benign (1 of 4 stars; one submission).

Allele frequency attached by ClinVar (database versions not stated): ExAC 0.00001; gnomAD 0.00001; gnomAD exomes 0.00001; TOPMed 0.00001.
gnomAD v4.1: 14 of 1,614,032 alleles (0.00087%); highest among the groups gnomAD compares: South Asian, 0.0033%; no homozygotes.

Submission:

CeGaT Center for Human Genetics Tuebingen
Classification: Likely benign. Last evaluated: 2023-03-01. Review status: criteria provided, single submitter. Criteria: CeGaT Center For Human Genetics Tuebingen Variant Classification Criteria Version 2. Collection method: clinical testing. Allele origin: germline. Affected: yes. Observed: 1 variant allele.
Comment: SPATA31H1: BP4, BP7